The following is an entry in ClinVar:

NM_172107.4(KCNQ2):c.297-3C>G

Gene: KCNQ2 (potassium voltage-gated channel subfamily Q member 2; minus strand). Cytogenetic location: 20q13.33.
Variant type: single nucleotide variant.
Coding change: c.297-3C>G on transcript NM_172107.4 (MANE Select); 3 bases into the intron before coding-DNA position 297, C replaced by G.
Molecular consequence: intron variant.
Genome position (GRCh38, 1-based): chr20:63,446,840, G>C on the plus strand (C>G on the coding strand, the complement: KCNQ2 is on the minus strand). VCF-style: chr20-63446840-G-C. GRCh37 (hg19) VCF-style: chr20-62078193-G-C.
Other names: c.297-3C>G (NM_004518.6, NM_172108.5, NM_172106.3 and 2 more transcripts).
Identifiers: ClinVar variation 3721888 (VCV003721888.2).
Genomic context (GRCh38, chr20:63,446,840, plus strand): 5'-ATACTCCTTGATGGTGGAAAACACAGACAGCACGAGGCAGGAGAAAACCAGGAGGAACCT[G>C]GGGGCAGGGAACGCGCGCTCTCAGACAGGCCGCAGCAGGGCAGCAGCATGGCTGTGTCTC-3'

ClinVar aggregate classification (germline): Pathogenic (1 of 4 stars; one submission).

Conditions:
Early-infantile DEE. Also called: Ohtahara syndrome; Early infantile epileptic encephalopathy with suppression bursts; Early infantile epileptic encephalopathy. Identifiers: Orphanet 1934, MedGen C0393706, MONDO:0800491.

Submission:

Labcorp Genetics (formerly Invitae), Labcorp
Classification: Pathogenic for Early-infantile DEE. Last evaluated: 2025-07-09. Review status: criteria provided, single submitter. Criteria: Invitae Variant Classification Sherloc (09022015). Collection method: clinical testing. Allele origin: germline.
Comment: This sequence change falls in intron 1 of the KCNQ2 gene. It does not directly change the encoded amino acid sequence of the KCNQ2 protein. It affects a nucleotide within the consensus splice site. This variant is not present in population databases (gnomAD no frequency). This variant has been observed in individual(s) with clinical features of KCNQ2-related conditions (internal data). In at least one individual the variant was observed to be de novo. ClinVar contains an entry for this variant (Variation ID: 3721888). Variants that disrupt the consensus splice site are a relatively common cause of aberrant splicing (PMID: 17576681, 9536098). Algorithms developed to predict the effect of sequence changes on RNA splicing suggest that this variant may disrupt the consensus splice site. For these reasons, this variant has been classified as Pathogenic.

Literature cited by the submitters: PubMed 17576681; PubMed 9536098.